The following is an entry in ClinVar:

ClinVar aggregate classification (germline): Conflicting classifications of pathogenicity. Review status: criteria provided, conflicting classifications (1 of 4 stars). 5 submissions from 5 submitters: Uncertain significance (1); Benign (1); Likely benign (3). Last evaluated 2026-09-01.

Conditions:
Xeroderma pigmentosum (XP). Identifiers: Orphanet 910, MedGen C0043346, MONDO:0019600.
Xeroderma pigmentosum, group C (XPC). Also called: XERODERMA PIGMENTOSUM III; XP, GROUP C; Xeroderma pigmentosum, complementation group C; XPC-Related Xeroderma Pigmentosum. Identifiers: Orphanet 910, MedGen C2752147, MONDO:0010211, OMIM 278720.

Allele frequency attached by ClinVar (database versions not stated): 1000 Genomes Project 30x 0.00016; 1000 Genomes Project 0.00020; ESP Exome Variant Server 0.00071; TOPMed 0.00080; gnomAD exomes 0.00083 and 0.00102; ExAC 0.00159.
gnomAD v4.1: 1,582 of 1,602,478 alleles (0.099%); highest among the groups gnomAD compares: Non-Finnish European, 0.12%; 1 homozygote.

Submissions (5):

CeGaT Center for Human Genetics Tuebingen
Classification: Likely benign. Last evaluated: 2026-09-01. Review status: criteria provided, single submitter. Criteria: CeGaT Center For Human Genetics Tuebingen Variant Classification Criteria Version 2. Collection method: clinical testing. Allele origin: germline. Affected: yes. Observed: 21 variant alleles.
Comment: XPC: BP4, BP7

Labcorp Genetics (formerly Invitae), Labcorp
Classification: Benign. Last evaluated: 2026-01-29. Review status: criteria provided, single submitter. Criteria: Invitae Variant Classification Sherloc (09022015). Collection method: clinical testing. Allele origin: germline.

Blueprint Genetics
Classification: Likely benign. Last evaluated: 2024-11-15. Review status: criteria provided, single submitter. Criteria: ACMG Guidelines, 2015. Collection method: clinical testing. Allele origin: germline.

Sema4
Classification: Likely benign for Xeroderma pigmentosum. Last evaluated: 2021-04-12. Review status: criteria provided, single submitter. Criteria: Sema4 Curation Guidelines. Collection method: curation. Allele origin: germline.

Illumina Laboratory Services, Illumina
Classification: Uncertain significance for Xeroderma pigmentosum, group C. Last evaluated: 2018-01-13. Review status: criteria provided, single submitter. Criteria: ICSL Variant Classification Criteria 13 December 2019. Collection method: clinical testing. Allele origin: germline.

NM_004628.5(XPC):c.2496T>C (p.Ile832=)

Gene: XPC (XPC complex subunit, DNA damage recognition and repair factor; minus strand). Cytogenetic location: 3p25.1.
Variant type: single nucleotide variant.
Coding change: c.2496T>C on transcript NM_004628.5 (MANE Select); coding-DNA position 2496, T replaced by C.
Protein change: p.Ile832=; no amino-acid change (isoleucine 832 retained).
Molecular consequence: synonymous variant. On other transcripts: non-coding transcript variant (2).
Genome position (GRCh38, 1-based): chr3:14,147,926, A>G on the plus strand (T>C on the coding strand, the complement: XPC is on the minus strand). VCF-style: chr3-14147926-A-G. GRCh37 (hg19) VCF-style: chr3-14189426-A-G.
Other names: c.1917T>C, p.Ile639= (NM_001354726.2); c.2490T>C, p.Ile830= (NM_001354727.2); c.2478T>C, p.Ile826= (NM_001354729.2); c.2250T>C, p.Ile750= (NM_001354730.2).
Identifiers: ClinVar variation 712680 (VCV000712680.48), dbSNP rs201597537, ClinGen allele CA2267121.